The following is an entry in ClinVar:

ClinVar aggregate classification (germline): Conflicting classifications of pathogenicity. Review status: criteria provided, conflicting classifications (1 of 4 stars). 2 submissions from 2 submitters: Likely pathogenic (1); Uncertain significance (1). Last evaluated 2022-05-19.

Conditions:
Inherited Immunodeficiency Diseases. Identifiers: MedGen C5197805, MeSH D000081207.
Immunodeficiency, common variable, 1. Also called: ANTIBODY DEFICIENCY DUE TO ICOS DEFECT. Identifiers: Orphanet 1572, Orphanet 695183, MedGen C3149378, MONDO:0011864, OMIM 607594.

Allele frequency attached by ClinVar (database versions not stated): TOPMed 0.00001; gnomAD 0.00002; gnomAD exomes 0.00009 and 0.00001; ESP Exome Variant Server 0.00015; ExAC 0.00002.
gnomAD v4.1: 133 of 1,612,342 alleles (0.0082%); highest among the groups gnomAD compares: Non-Finnish European, 0.011%; no homozygotes.

Submissions (2):

Labcorp Genetics (formerly Invitae), Labcorp
Classification: Uncertain significance for Immunodeficiency, common variable, 1. Last evaluated: 2022-05-19. Review status: criteria provided, single submitter. Criteria: Invitae Variant Classification Sherloc (09022015). Collection method: clinical testing. Allele origin: germline.
Comment: This sequence change replaces phenylalanine, which is neutral and non-polar, with serine, which is neutral and polar, at codon 119 of the ICOS protein (p.Phe119Ser). This variant is present in population databases (rs375299065, gnomAD 0.003%). This missense change has been observed in individual(s) with common variable immunodeficiency (PMID: 31858365, 32499645). ClinVar contains an entry for this variant (Variation ID: 827707). Algorithms developed to predict the effect of missense changes on protein structure and function (SIFT, PolyPhen-2, Align-GVGD) all suggest that this variant is likely to be disruptive. Experimental studies have shown that this missense change affects ICOS function (PMID: 11956294, 20817864). In summary, the available evidence is currently insufficient to determine the role of this variant in disease. Therefore, it has been classified as a Variant of Uncertain Significance.

NIHR Bioresource Rare Diseases, University of Cambridge
Classification: Likely pathogenic for Inherited Immunodeficiency Diseases. Last evaluated: 2019-01-01. Review status: criteria provided, single submitter. Criteria: ACMG Guidelines, 2015. Collection method: research. Allele origin: germline. Affected: yes. Observed: 1 heterozygote.

Literature cited by the submitters: PubMed 31858365 (cited by Labcorp Genetics (formerly Invitae), Labcorp); PubMed 32499645 (cited by Labcorp Genetics (formerly Invitae), Labcorp); PubMed 11956294 (cited by Labcorp Genetics (formerly Invitae), Labcorp); PubMed 20817864 (cited by Labcorp Genetics (formerly Invitae), Labcorp).

NM_012092.4(ICOS):c.356T>C (p.Phe119Ser)

Gene: ICOS (inducible T cell costimulator; plus strand). Cytogenetic location: 2q33.2.
Variant type: single nucleotide variant.
Coding change: c.356T>C on transcript NM_012092.4 (MANE Select); coding-DNA position 356, T replaced by C.
Protein change: p.Phe119Ser; replaces phenylalanine 119 with serine.
Molecular consequence: missense variant.
Genome position (GRCh38, 1-based): chr2:203,955,933, T>C. VCF-style: chr2-203955933-T-C. GRCh37 (hg19) VCF-style: chr2-204820656-T-C.
Other names: short protein forms F119S.
Identifiers: ClinVar variation 827707 (VCV000827707.8), dbSNP rs375299065, ClinGen allele CA2067249.